The following is an entry in ClinVar:

ClinVar aggregate classification (germline): Uncertain significance (1 of 4 stars; one submission).

Submission:

Labcorp Genetics (formerly Invitae), Labcorp
Classification: Uncertain significance. Last evaluated: 2025-11-03. Review status: criteria provided, single submitter. Criteria: Invitae Variant Classification Sherloc (09022015). Collection method: clinical testing. Allele origin: germline.
Comment: This sequence change replaces proline, which is neutral and non-polar, with arginine, which is basic and polar, at codon 1483 of the RERE protein (p.Pro1483Arg). This variant is not present in population databases (gnomAD no frequency). This variant has not been reported in the literature in individuals affected with RERE-related conditions. Invitae Evidence Modeling of protein sequence and biophysical properties (such as structural, functional, and spatial information, amino acid conservation, physicochemical variation, residue mobility, and thermodynamic stability) has been performed for this missense variant. However, the output from this modeling did not meet the statistical confidence thresholds required to predict the impact of this variant on RERE protein function. In summary, the available evidence is currently insufficient to determine the role of this variant in disease. Therefore, it has been classified as a Variant of Uncertain Significance.

NM_001042681.2(RERE):c.4448C>G (p.Pro1483Arg)

Gene: RERE (arginine-glutamic acid dipeptide repeats; minus strand). Cytogenetic location: 1p36.23.
Variant type: single nucleotide variant.
Coding change: c.4448C>G on transcript NM_001042681.2 (MANE Select); coding-DNA position 4448, C replaced by G.
Protein change: p.Pro1483Arg; replaces proline 1483 with arginine.
Molecular consequence: missense variant.
Genome position (GRCh38, 1-based): chr1:8,356,138, G>C on the plus strand (C>G on the coding strand, the complement: RERE is on the minus strand). VCF-style: chr1-8356138-G-C. GRCh37 (hg19) VCF-style: chr1-8416198-G-C.
Other names: c.2786C>G, p.Pro929Arg (NM_001042682.2); c.4448C>G, p.Pro1483Arg (NM_012102.4); short protein forms P1483R, P929R.
Identifiers: ClinVar variation 4799803 (VCV004799803.1).